The following is an entry in ClinVar:

ClinVar aggregate classification (germline): Uncertain significance (1 of 4 stars; one submission).

Allele frequency attached by ClinVar (database versions not stated): gnomAD exomes below 0.00001; TOPMed below 0.00001; gnomAD 0.00001.
gnomAD v4.1: 4 of 1,614,102 alleles (0.00025%); highest among the groups gnomAD compares: African/African-American, 0.0027%; no homozygotes.

Submission:

Labcorp Genetics (formerly Invitae), Labcorp
Classification: Uncertain significance. Last evaluated: 2021-12-01. Review status: criteria provided, single submitter. Criteria: Invitae Variant Classification Sherloc (09022015). Collection method: clinical testing. Allele origin: germline.
Comment: In summary, the available evidence is currently insufficient to determine the role of this variant in disease. Therefore, it has been classified as a Variant of Uncertain Significance. Algorithms developed to predict the effect of missense changes on protein structure and function are either unavailable or do not agree on the potential impact of this missense change (SIFT: "Deleterious"; PolyPhen-2: "Probably Damaging"; Align-GVGD: "Class C0"). This variant has not been reported in the literature in individuals affected with XYLT2-related conditions. This variant is present in population databases (no rsID available, gnomAD 0.0008%). This sequence change replaces arginine, which is basic and polar, with tryptophan, which is neutral and slightly polar, at codon 372 of the XYLT2 protein (p.Arg372Trp).

NM_022167.4(XYLT2):c.1114C>T (p.Arg372Trp)

Gene: XYLT2 (xylosyltransferase 2; plus strand). Cytogenetic location: 17q21.33.
Variant type: single nucleotide variant.
Coding change: c.1114C>T on transcript NM_022167.4 (MANE Select); coding-DNA position 1114, C replaced by T.
Protein change: p.Arg372Trp; replaces arginine 372 with tryptophan.
Molecular consequence: missense variant.
Genome position (GRCh38, 1-based): chr17:50,355,806, C>T. VCF-style: chr17-50355806-C-T. GRCh37 (hg19) VCF-style: chr17-48433167-C-T.
Other names: short protein forms R372W.
Identifiers: ClinVar variation 1491998 (VCV001491998.5), dbSNP rs1400942917, ClinGen allele CA400204252.
Genomic context (GRCh38, chr17:50,355,806, plus strand): 5'-AGGATCCCCAGCCATGGCCTCTCTGCTGCCCACAGGTTCATCAAGAAACAGGGCCTGGAC[C>T]GGCTCTTCCATGAGTGCGACTCACACATGTGGCGCCTGGGCGAGCGGCAGATCCCAGCAG-3'
Protein context (NP_071450.2, residues 362-382): SRFIKKQGLD[Arg372Trp]LFHECDSHMW